The following is an entry in ClinVar:

NM_001267550.2(TTN):c.60261T>C (p.Gly20087=)

Genes: TTN-AS1 (TTN antisense RNA 1; plus strand), TTN (titin; minus strand). Cytogenetic location: 2q31.2.
Variant type: single nucleotide variant.
Coding change: c.60261T>C on transcript NM_001267550.2 (MANE Select); coding-DNA position 60261, T replaced by C.
Protein change: p.Gly20087=; no amino-acid change (glycine 20087 retained).
Molecular consequence: synonymous variant.
Genome position (GRCh38, 1-based): chr2:178,591,464, A>G on the plus strand (T>C on the coding strand, the complement: TTN is on the minus strand). VCF-style: chr2-178591464-A-G. GRCh37 (hg19) VCF-style: chr2-179456191-A-G.
Other names: c.55338T>C, p.Gly18446= (NM_001256850.1); c.33066T>C, p.Gly11022= (NM_003319.4); c.52557T>C, p.Gly17519= (NM_133378.4); c.33441T>C, p.Gly11147= (NM_133432.3); c.33642T>C, p.Gly11214= (NM_133437.4).
Identifiers: ClinVar variation 703496 (VCV000703496.28), dbSNP rs777188146, ClinGen allele CA1992516.

ClinVar aggregate classification (germline): Likely benign. Review status: criteria provided, multiple submitters, no conflicts (2 of 4 stars). 3 submissions from 3 submitters: Likely benign (3). Last evaluated 2025-05-22.

Conditions:
Dilated cardiomyopathy 1G (CMD1G). Identifiers: Orphanet 154, MedGen C1858763, MONDO:0011400, OMIM 604145.
Autosomal recessive limb-girdle muscular dystrophy type 2J (LGMDR10). Also called: Limb-girdle muscular dystrophy, type 2J; MUSCULAR DYSTROPHY, LIMB-GIRDLE, AUTOSOMAL RECESSIVE 10. Identifiers: Orphanet 140922, MedGen C1837342, MONDO:0012127, OMIM 608807.

Allele frequency attached by ClinVar (database versions not stated): gnomAD exomes 0.00001 and 0.00002; ExAC 0.00002.
gnomAD v4.1: 18 of 1,588,176 alleles (0.0011%); highest among the groups gnomAD compares: South Asian, 0.02%; no homozygotes.

Submissions (3):

Labcorp Genetics (formerly Invitae), Labcorp
Classification: Likely benign for Dilated cardiomyopathy 1G; Autosomal recessive limb-girdle muscular dystrophy type 2J. Last evaluated: 2025-05-22. Review status: criteria provided, single submitter. Criteria: Invitae Variant Classification Sherloc (09022015). Collection method: clinical testing. Allele origin: germline.

CeGaT Center for Human Genetics Tuebingen
Classification: Likely benign. Last evaluated: 2024-12-01. Review status: criteria provided, single submitter. Criteria: CeGaT Center For Human Genetics Tuebingen Variant Classification Criteria Version 2. Collection method: clinical testing. Allele origin: germline. Affected: yes. Observed: 1 variant allele.
Comment: TTN: BP4, BP7

Blueprint Genetics
Classification: Likely benign. Last evaluated: 2024-04-29. Review status: criteria provided, single submitter. Criteria: ACMG Guidelines, 2015. Collection method: clinical testing. Allele origin: germline.